The following is an entry in ClinVar:

ClinVar aggregate classification (germline): Conflicting classifications of pathogenicity. Review status: criteria provided, conflicting classifications (1 of 4 stars). 2 submissions from 2 submitters: Uncertain significance (1); Likely benign (1). Last evaluated 2026-01-13.

Conditions:
Inborn genetic diseases. Identifiers: MedGen C0950123, MeSH D030342.
Autosomal recessive spastic paraplegia type 78. Identifiers: Orphanet 513436, MedGen C5567893, MONDO:0014975, OMIM 617225.
Kufor-Rakeb syndrome (KRS). Also called: PARKINSON DISEASE 9, AUTOSOMAL RECESSIVE, JUVENILE-ONSET. Identifiers: Orphanet 306674, Orphanet 314632, MedGen C1847640, MONDO:0011706, OMIM 606693.

Allele frequency attached by ClinVar (database versions not stated): gnomAD exomes 0.00002; gnomAD 0.00005; TOPMed 0.00012; ExAC 0.00021.
gnomAD v4.1: 42 of 1,611,538 alleles (0.0026%); highest among the groups gnomAD compares: East Asian, 0.089%; no homozygotes.

Submissions (2):

Labcorp Genetics (formerly Invitae), Labcorp
Classification: Likely benign for Kufor-Rakeb syndrome; Autosomal recessive spastic paraplegia type 78. Last evaluated: 2026-01-13. Review status: criteria provided, single submitter. Criteria: Invitae Variant Classification Sherloc (09022015). Collection method: clinical testing. Allele origin: germline.

Ambry Genetics
Classification: Uncertain significance for Inborn genetic diseases. Last evaluated: 2017-07-14. Review status: criteria provided, single submitter. Criteria: Ambry Variant Classification Scheme 2023. Collection method: clinical testing. Allele origin: germline.
Comment: The c.1195+5G>A intronic variant results from a G to A substitution 5 nucleotides after coding exon 12 in the ATP13A2 gene. This nucleotide position is not well conserved in available vertebrate species. Using two different splice site prediction tools, this alteration is predicted by ESEfinder to weaken the efficiency of the native splice donor site, but is not predicted to have a deleterious effect on this splice donor site by BDGP; however, direct evidence is unavailable. Since supporting evidence is limited at this time, the clinical significance of this alteration remains unclear.

NM_022089.4(ATP13A2):c.1195+5G>A

Gene: ATP13A2 (ATPase cation transporting 13A2; minus strand). Cytogenetic location: 1p36.13.
Variant type: single nucleotide variant.
Coding change: c.1195+5G>A on transcript NM_022089.4 (MANE Select); 5 bases into the intron after coding-DNA position 1195, G replaced by A.
Molecular consequence: intron variant.
Genome position (GRCh38, 1-based): chr1:16,997,015, C>T on the plus strand (G>A on the coding strand, the complement: ATP13A2 is on the minus strand). VCF-style: chr1-16997015-C-T. GRCh37 (hg19) VCF-style: chr1-17323510-C-T.
Other names: c.1180+5G>A (NM_001141974.3, NM_001141973.3).
Identifiers: ClinVar variation 1745734 (VCV001745734.7), dbSNP rs751551929, ClinGen allele CA637337.